The following is an entry in ClinVar:

ClinVar aggregate classification (germline): Likely benign (0 of 4 stars; one submission).

Conditions:
SPOCK1-related disorder. Also called: SPOCK1-related condition.

Allele frequency attached by ClinVar (database versions not stated): ExAC 0.00066.
gnomAD v4.1: 602 of 1,613,440 alleles (0.037%); highest among the groups gnomAD compares: South Asian, 0.14%; 3 homozygotes.

Submission:

PreventionGenetics, part of Exact Sciences
Classification: Likely benign for SPOCK1-related condition. Last evaluated: 2022-04-01. Review status: no assertion criteria provided. Collection method: clinical testing. Allele origin: germline.
Comment: This variant is classified as likely benign based on ACMG/AMP sequence variant interpretation guidelines (Richards et al. 2015 PMID: 25741868, with internal and published modifications).

NM_004598.4(SPOCK1):c.328C>A (p.Arg110Ser)

Gene: SPOCK1 (SPARC (osteonectin), cwcv and kazal like domains proteoglycan 1; minus strand). Cytogenetic location: 5q31.2.
Variant type: single nucleotide variant.
Coding change: c.328C>A on transcript NM_004598.4 (MANE Select); coding-DNA position 328, C replaced by A.
Protein change: p.Arg110Ser; replaces arginine 110 with serine.
Molecular consequence: missense variant.
Genome position (GRCh38, 1-based): chr5:137,140,599, G>T on the plus strand (C>A on the coding strand, the complement: SPOCK1 is on the minus strand). VCF-style: chr5-137140599-G-T. GRCh37 (hg19) VCF-style: chr5-136476288-G-T.
Other names: short protein forms R110S.
Identifiers: ClinVar variation 3046660 (VCV003046660.2), dbSNP rs199506446, ClinGen allele CA3421978.